The following is an entry in ClinVar:

ClinVar aggregate classification (germline): Benign (1 of 4 stars; one submission).

Conditions:
Xeroderma pigmentosum, group F (XPF). Also called: XERODERMA PIGMENTOSUM, TYPE F; Xeroderma pigmentosum, type 6; XERODERMA PIGMENTOSUM, COMPLEMENTATION GROUP F; XERODERMA PIGMENTOSUM VI; XP, GROUP F; ERCC4-Related Xeroderma Pigmentosum. Identifiers: MedGen C0268140, MONDO:0010215, OMIM 278760.

Allele frequency attached by ClinVar (database versions not stated): gnomAD exomes 0.00085; gnomAD 0.00520 and 0.00547; TOPMed 0.00585; 1000 Genomes Project 30x 0.00609; 1000 Genomes Project 0.00699.
gnomAD v4.1: 821 of 196,354 alleles (0.42%); highest among the groups gnomAD compares: African/African-American, 1.8%; 10 homozygotes.

Submission:

Illumina Laboratory Services, Illumina
Classification: Benign for Xeroderma pigmentosum, group F. Last evaluated: 2018-01-13. Review status: criteria provided, single submitter. Criteria: ICSL Variant Classification Criteria 13 December 2019. Collection method: clinical testing. Allele origin: germline.
Comment: This variant was observed in the ICSL laboratory as part of a predisposition screen in an ostensibly healthy population. It had not been previously curated by ICSL or reported in the Human Gene Mutation Database (HGMD: prior to June 1st, 2018), and was therefore a candidate for classification through an automated scoring system. Utilizing variant allele frequency, disease prevalence and penetrance estimates, and inheritance mode, an automated score was calculated to assess if this variant is too frequent to cause the disease. Based on the score and internal cut-off values, a variant classified as benign is not then subjected to further curation. The score for this variant resulted in a classification of benign for this disease.

NM_005236.3(ERCC4):c.*2539A>G

Gene: ERCC4 (ERCC excision repair 4, endonuclease catalytic subunit; plus strand). Cytogenetic location: 16p13.12.
Variant type: single nucleotide variant.
Coding change: c.*2539A>G on transcript NM_005236.3 (MANE Select); 2539 bases downstream of the stop codon, A replaced by G.
Molecular consequence: 3 prime UTR variant.
Genome position (GRCh38, 1-based): chr16:13,950,886, A>G. VCF-style: chr16-13950886-A-G. GRCh37 (hg19) VCF-style: chr16-14044743-A-G.
Identifiers: ClinVar variation 885112 (VCV000885112.4), dbSNP rs115526695, ClinGen allele CA278487544.
Genomic context (GRCh38, chr16:13,950,886, plus strand): 5'-AAAAAAAGGTCTTCCTAAAGCTACCATTTTCAACCGTCCTTGTTATCTAGTACAACATAA[A>G]TAACAGTCTTAAAAATTGCACTAATACCAGTGCCCCCCTGGCTCTCCAAATCTGTTCTTT-3'